The following is an entry in ClinVar:

ClinVar aggregate classification (germline): Uncertain significance (1 of 4 stars; one submission).

Submission:

Labcorp Genetics (formerly Invitae), Labcorp
Classification: Uncertain significance. Last evaluated: 2024-05-29. Review status: criteria provided, single submitter. Criteria: Invitae Variant Classification Sherloc (09022015). Collection method: clinical testing. Allele origin: germline.
Comment: This sequence change replaces lysine, which is basic and polar, with glutamic acid, which is acidic and polar, at codon 257 of the HARS2 protein (p.Lys257Glu). This variant is not present in population databases (gnomAD no frequency). This variant has not been reported in the literature in individuals affected with HARS2-related conditions. Algorithms developed to predict the effect of missense changes on protein structure and function output the following: SIFT: "Not Available"; PolyPhen-2: "Benign"; Align-GVGD: "Not Available". The glutamic acid amino acid residue is found in multiple mammalian species, which suggests that this missense change does not adversely affect protein function. In summary, the available evidence is currently insufficient to determine the role of this variant in disease. Therefore, it has been classified as a Variant of Uncertain Significance.

NM_012208.4(HARS2):c.769A>G (p.Lys257Glu)

Gene: HARS2 (histidyl-tRNA synthetase 2, mitochondrial; plus strand). Cytogenetic location: 5q31.3.
Variant type: single nucleotide variant.
Coding change: c.769A>G on transcript NM_012208.4 (MANE Select); coding-DNA position 769, A replaced by G.
Protein change: p.Lys257Glu; replaces lysine 257 with glutamic acid.
Molecular consequence: missense variant.
Genome position (GRCh38, 1-based): chr5:140,696,557, A>G. VCF-style: chr5-140696557-A-G. GRCh37 (hg19) VCF-style: chr5-140076142-A-G.
Other names: c.694A>G, p.Lys232Glu (NM_001278731.2); c.337A>G, p.Lys113Glu (NM_001278732.2); c.787A>G, p.Lys263Glu (NM_001363535.2); c.559A>G, p.Lys187Glu (NM_001363536.2); short protein forms K257E, K263E, K187E, K113E, K232E.
Identifiers: ClinVar variation 2808961 (VCV002808961.3), dbSNP rs1030236876, ClinGen allele CA361199121.
Genomic context (GRCh38, chr5:140,696,557, plus strand): 5'-GCTAATGTTTGGGTGTTTATGCAGATGGCTTGGAAAGATGTGAGACATGAGATGGTGGTG[A>G]AGAAAGGCCTGGCTCCTGAGGTGGCTGATCGAATTGGGGACTATGTCCAGTGTCATGGTA-3'
Protein context (NP_036340.1, residues 247-267): WKDVRHEMVV[Lys257Glu]KGLAPEVADR